The following is an entry in ClinVar:

ClinVar aggregate classification (germline): Conflicting classifications of pathogenicity. Review status: criteria provided, conflicting classifications (1 of 4 stars). 2 submissions from 2 submitters: Uncertain significance (1); Likely benign (1). Last evaluated 2026-06-18.

Conditions:
Long QT syndrome 12 (LQT12). Identifiers: Orphanet 101016, Orphanet 768, MedGen C2751830, MONDO:0013062, OMIM 612955.
Cardiovascular phenotype. Identifiers: MedGen CN230736.

gnomAD v4.1: 1 of 1,350,140 alleles (0.000074%); highest among the groups gnomAD compares: Non-Finnish European, 0.000094%; no homozygotes.

Submissions (2):

Ambry Genetics
Classification: Likely benign for Cardiovascular phenotype. Last evaluated: 2026-06-18. Review status: criteria provided, single submitter. Criteria: Ambry Variant Classification Scheme 2023. Collection method: clinical testing. Allele origin: germline.

3billion
Classification: Uncertain significance for Long QT syndrome 12. Last evaluated: 2023-08-25. Review status: criteria provided, single submitter. Criteria: ACMG Guidelines, 2015. Collection method: clinical testing. Allele origin: germline. Affected: yes.
Comment: The variant is not observed in the gnomAD v2.1.1 dataset. Predicted Consequence/Location: Missense changes are a common disease-causing mechanism. In silico tool predictions suggest no damaging effect of the variant on gene or gene product [REVEL: 0.05 (<0.4); 3Cnet: 0.00 (<0.15, specificity 0.78 and negative predicitive value 0.92)]. Therefore, this variant is classified as VUS according to the recommendation of ACMG/AMP guideline.

NM_003098.3(SNTA1):c.220C>G (p.Pro74Ala)

Gene: SNTA1 (syntrophin alpha 1; minus strand). Cytogenetic location: 20q11.21.
Variant type: single nucleotide variant.
Coding change: c.220C>G on transcript NM_003098.3 (MANE Select); coding-DNA position 220, C replaced by G.
Protein change: p.Pro74Ala; replaces proline 74 with alanine.
Molecular consequence: missense variant.
Genome position (GRCh38, 1-based): chr20:33,443,401, G>C on the plus strand (C>G on the coding strand, the complement: SNTA1 is on the minus strand). VCF-style: chr20-33443401-G-C. GRCh37 (hg19) VCF-style: chr20-32031207-G-C.
Other names: c.220C>G, p.Pro74Ala (NM_001424413.1, NM_001424414.1); short protein forms P74A.
Identifiers: ClinVar variation 3775843 (VCV003775843.2).
Genomic context (GRCh38, chr20:33,443,401, plus strand): 5'-CGGCCTTGCGCACCGTCACGCGGCGCCGCTGGAGCAGTAGCGCCTCTGGCAGCTGCGGGG[G>C]CCCGGCGCCCGGCTCCGCGGCGCCGTTGAGCTGCGCGGGCTCCTGCTCCCGCGGAGCGCC-3'
Protein context (NP_003089.1, residues 64-84): LNGAAEPGAG[Pro74Ala]PQLPEALLLQ